The following is an entry in ClinVar:

NM_001913.5(CUX1):c.1671C>A (p.Tyr557Ter)

Gene: CUX1 (cut like homeobox 1; plus strand). Cytogenetic location: 7q22.1.
Variant type: single nucleotide variant.
Coding change: c.1671C>A on transcript NM_001913.5 (MANE Plus Clinical); coding-DNA position 1671, C replaced by A.
Protein change: p.Tyr557Ter; replaces tyrosine 557 with a stop codon.
Molecular consequence: nonsense.
Genome position (GRCh38, 1-based): chr7:102,278,056, C>A. VCF-style: chr7-102278056-C-A. GRCh37 (hg19) VCF-style: chr7-101921327-C-A.
Other names: c.1623C>A, p.Tyr541Ter (NM_001202544.3); c.1533C>A, p.Tyr511Ter (NM_001202545.3); c.1554C>A, p.Tyr518Ter (NM_001202546.3); c.1665C>A, p.Tyr555Ter (NM_181500.4); short protein forms Y511*, Y518*, Y555*, Y557*, Y541*.
Identifiers: ClinVar variation 2230154 (VCV002230154.3), dbSNP rs782499697, ClinGen allele CA4411742.

ClinVar aggregate classification (germline): Uncertain significance. Review status: criteria provided, multiple submitters, no conflicts (2 of 4 stars). 2 submissions from 2 submitters: Uncertain significance (2). Last evaluated 2021-04-20.

Conditions:
Inborn genetic diseases. Identifiers: MedGen C0950123, MeSH D030342.
Global developmental delay with or without impaired intellectual development. Identifiers: MedGen C5193032, MONDO:0032680, OMIM 618330.

gnomAD v4.1: 5 of 1,609,838 alleles (0.00031%); highest among the groups gnomAD compares: Non-Finnish European, 0.00042%; no homozygotes.

Submissions (2):

Ambry Genetics
Classification: Uncertain significance for Inborn genetic diseases. Last evaluated: 2021-04-20. Review status: criteria provided, single submitter. Criteria: Ambry Variant Classification Scheme 2023. Collection method: clinical testing. Allele origin: germline.
Comment: Loss of function has not been clearly established as a mechanism of disease Based on insufficient or conflicting evidence, the clinical significance of this alteration remains unclear.

Equipe Genetique des Anomalies du Developpement, Université de Bourgogne
Classification: Uncertain significance for Global developmental delay with or without impaired intellectual development. Last evaluated: 2020-01-14. Review status: criteria provided, single submitter. Criteria: ACMG Guidelines, 2015. Collection method: clinical testing. Allele origin: maternal.